The following is an entry in ClinVar:

ClinVar aggregate classification (germline): Uncertain significance (1 of 4 stars; one submission).

Conditions:
Rafiq syndrome (RAFQS). Identifiers: Orphanet 88616, MedGen C3280127, MONDO:0013624, OMIM 614202.

Allele frequency attached by ClinVar (database versions not stated): gnomAD exomes below 0.00001.
gnomAD v4.1: 6 of 1,613,206 alleles (0.00037%); highest among the groups gnomAD compares: Admixed American, 0.01%; no homozygotes.

Submission:

Labcorp Genetics (formerly Invitae), Labcorp
Classification: Uncertain significance for Rafiq syndrome. Last evaluated: 2022-07-06. Review status: criteria provided, single submitter. Criteria: Invitae Variant Classification Sherloc (09022015). Collection method: clinical testing. Allele origin: germline.
Comment: This sequence change replaces histidine, which is basic and polar, with asparagine, which is neutral and polar, at codon 545 of the MAN1B1 protein (p.His545Asn). This variant is present in population databases (no rsID available, gnomAD 0.003%). This variant has not been reported in the literature in individuals affected with MAN1B1-related conditions. Algorithms developed to predict the effect of missense changes on protein structure and function are either unavailable or do not agree on the potential impact of this missense change (SIFT: "Tolerated"; PolyPhen-2: "Probably Damaging"; Align-GVGD: "Class C0"). In summary, the available evidence is currently insufficient to determine the role of this variant in disease. Therefore, it has been classified as a Variant of Uncertain Significance.

NM_016219.5(MAN1B1):c.1633C>A (p.His545Asn)

Gene: MAN1B1 (mannosidase alpha class 1B member 1; plus strand). Cytogenetic location: 9q34.3.
Variant type: single nucleotide variant.
Coding change: c.1633C>A on transcript NM_016219.5 (MANE Select); coding-DNA position 1633, C replaced by A.
Protein change: p.His545Asn; replaces histidine 545 with asparagine.
Molecular consequence: missense variant. On other transcripts: non-coding transcript variant (2).
Genome position (GRCh38, 1-based): chr9:137,107,316, C>A. VCF-style: chr9-137107316-C-A. GRCh37 (hg19) VCF-style: chr9-140001768-C-A.
Other names: c.1525C>A, p.His509Asn (NM_007230.1); short protein forms H509N, H545N.
Identifiers: ClinVar variation 2054071 (VCV002054071.1), dbSNP rs1160994190, ClinGen allele CA375657450.